The following is an entry in ClinVar:

NM_021930.6(RINT1):c.424A>G (p.Met142Val)

Gene: RINT1 (RAD50 interactor 1; plus strand). Cytogenetic location: 7q22.3.
Variant type: single nucleotide variant.
Coding change: c.424A>G on transcript NM_021930.6 (MANE Select); coding-DNA position 424, A replaced by G.
Protein change: p.Met142Val; replaces methionine 142 with valine.
Molecular consequence: missense variant. On other transcripts: 5 prime UTR variant (3), non-coding transcript variant (1).
Genome position (GRCh38, 1-based): chr7:105,542,558, A>G. VCF-style: chr7-105542558-A-G. GRCh37 (hg19) VCF-style: chr7-105183005-A-G.
Other names: c.190A>G, p.Met64Val (NM_001346599.2); c.-596A>G (NM_001346600.2); c.-499A>G (NM_001346601.2); c.-119A>G (NM_001346603.2); short protein forms M142V, M64V.
Identifiers: ClinVar variation 1739058 (VCV001739058.3), dbSNP rs1287442231, ClinGen allele CA368803576.

ClinVar aggregate classification (germline): Uncertain significance (1 of 4 stars; one submission).

Allele frequency attached by ClinVar (database versions not stated): gnomAD 0.00001; gnomAD exomes 0.00001.

Submission:

Ambry Genetics
Classification: Uncertain significance. Last evaluated: 2025-02-15. Review status: criteria provided, single submitter. Criteria: Ambry Variant Classification Scheme 2023. Collection method: clinical testing. Allele origin: germline.
Comment: The p.M142V variant (also known as c.424A>G), located in coding exon 4 of the RINT1 gene, results from an A to G substitution at nucleotide position 424. The methionine at codon 142 is replaced by valine, an amino acid with highly similar properties. This amino acid position is conserved. In addition, this alteration is predicted to be tolerated by in silico analysis. Since supporting evidence is limited at this time, the clinical significance of this alteration remains unclear.